The following is an entry in ClinVar:

NM_014423.4(AFF4):c.2360A>G (p.Lys787Arg)

Gene: AFF4 (ALF transcription elongation factor 4; minus strand). Cytogenetic location: 5q31.1.
Variant type: single nucleotide variant.
Coding change: c.2360A>G on transcript NM_014423.4 (MANE Select); coding-DNA position 2360, A replaced by G.
Protein change: p.Lys787Arg; replaces lysine 787 with arginine.
Molecular consequence: missense variant.
Genome position (GRCh38, 1-based): chr5:132,893,066, T>C on the plus strand (A>G on the coding strand, the complement: AFF4 is on the minus strand). VCF-style: chr5-132893066-T-C. GRCh37 (hg19) VCF-style: chr5-132228758-T-C.
Other names: short protein forms K787R.
Identifiers: ClinVar variation 3766256 (VCV003766256.1).
Genomic context (GRCh38, chr5:132,893,066, plus strand): 5'-ATGCAACATGTTTTGGGAACGTACTCTCTGTTGCTGGATGGCTTATGGCCTGCTGAATTC[T>C]TGTCCTCCGTTTTGGGTTTCTTGCTCTCACTGGCTCGGTTATCATCTTCATTCTAGATGA-3'
Protein context (NP_055238.1, residues 777-797): SESKKPKTED[Lys787Arg]NSAGHKPSSN

ClinVar aggregate classification (germline): Uncertain significance (1 of 4 stars; one submission).

gnomAD v4.1: 1 of 1,614,180 alleles (0.000062%); highest among the groups gnomAD compares: Non-Finnish European, 0.000085%; no homozygotes.

Submission:

GeneDx
Classification: Uncertain significance. Last evaluated: 2024-08-25. Review status: criteria provided, single submitter. Criteria: GeneDx Variant Classification Process June 2021. Collection method: clinical testing. Allele origin: germline. Affected: yes.
Comment: Not observed at significant frequency in large population cohorts (gnomAD); In silico analysis indicates that this missense variant does not alter protein structure/function; Has not been previously published as pathogenic or benign to our knowledge